The following is an entry in ClinVar:

NM_001099274.3(TINF2):c.891_892insTTGCTCT (p.Gln298fs)

Gene: TINF2 (TERF1 interacting nuclear factor 2; minus strand). Cytogenetic location: 14q12.
Variant type: Insertion.
Coding change: c.891_892insTTGCTCT on transcript NM_001099274.3 (MANE Select); coding-DNA positions 891 to 892, TTGCTCT inserted.
Protein change: p.Gln298fs; shifts the reading frame from glutamine 298.
Molecular consequence: frameshift variant.
Genome position: GRCh38 VCF-style: chr14-24240588-G-GAGAGCAA. GRCh37 (hg19) VCF-style: chr14-24709794-G-GAGAGCAA.
Other names: c.786_787insTTGCTCT, p.Gln263fs (NM_001363668.2); c.891_892insTTGCTCT, p.Gln298fs (NM_012461.3); short protein forms Q263fs, Q298fs.
Identifiers: ClinVar variation 3371865 (VCV003371865.1).

ClinVar aggregate classification (germline): Uncertain significance (1 of 4 stars; one submission).

Submission:

GeneDx
Classification: Uncertain significance. Last evaluated: 2024-04-05. Review status: criteria provided, single submitter. Criteria: GeneDx Variant Classification Process June 2021. Collection method: clinical testing. Allele origin: germline. Affected: yes.
Comment: Frameshift variant predicted to result in protein truncation or nonsense mediated decay in a gene for which loss-of-function is not an established mechanism of disease; Not observed at significant frequency in large population cohorts (gnomAD); Has not been previously published as pathogenic or benign to our knowledge